The following is an entry in ClinVar:

NM_004655.4(AXIN2):c.753C>T (p.Ser251=)

Gene: AXIN2 (axin 2; minus strand). Cytogenetic location: 17q24.1.
Variant type: single nucleotide variant.
Coding change: c.753C>T on transcript NM_004655.4 (MANE Select); coding-DNA position 753, C replaced by T.
Protein change: p.Ser251=; no amino-acid change (serine 251 retained).
Molecular consequence: synonymous variant.
Genome position (GRCh38, 1-based): chr17:65,557,868, G>A on the plus strand (C>T on the coding strand, the complement: AXIN2 is on the minus strand). VCF-style: chr17-65557868-G-A. GRCh37 (hg19) VCF-style: chr17-63553986-G-A.
Other names: c.753C>T, p.Ser251= (NM_001363813.1).
Identifiers: ClinVar variation 1759424 (VCV001759424.5), dbSNP rs2544247533, ClinGen allele CA501691319.

ClinVar aggregate classification (germline): Benign/Likely benign. Review status: criteria provided, multiple submitters, no conflicts (2 of 4 stars). 3 submissions from 3 submitters: Benign (1); Likely benign (2). Last evaluated 2024-10-03.

Conditions:
Hereditary cancer-predisposing syndrome. Also called: Neoplastic Syndromes, Hereditary; Tumor predisposition; Hereditary Cancer Syndrome; Hereditary neoplastic syndrome. Identifiers: Orphanet 140162, MedGen C0027672, MeSH D009386, MONDO:0015356.
Oligodontia-cancer predisposition syndrome. Also called: TOOTH AGENESIS-COLORECTAL CANCER SYNDROME. Identifiers: Orphanet 300576, MedGen C1837750, MONDO:0012075, OMIM 608615. Disease mechanism: loss of function.

Submissions (3):

Labcorp Genetics (formerly Invitae), Labcorp
Classification: Likely benign for Oligodontia-cancer predisposition syndrome. Last evaluated: 2024-10-03. Review status: criteria provided, single submitter. Criteria: Invitae Variant Classification Sherloc (09022015). Collection method: clinical testing. Allele origin: germline.

Myriad Genetics, Inc.
Classification: Benign for Oligodontia-cancer predisposition syndrome. Last evaluated: 2024-06-27. Review status: criteria provided, single submitter. Criteria: Myriad Autosomal Dominant, Autosomal Recessive and X-Linked Classification Criteria (2023). Collection method: clinical testing. Allele origin: unknown.
Comment: This variant is considered benign. This variant is a silent/synonymous amino acid change and it is not expected to impact splicing.

Ambry Genetics
Classification: Likely benign for Hereditary cancer-predisposing syndrome. Last evaluated: 2020-06-28. Review status: criteria provided, single submitter. Criteria: Ambry Variant Classification Scheme 2023. Collection method: clinical testing. Allele origin: germline.